The following is an entry in ClinVar:

NM_053025.4(MYLK):c.305G>T (p.Gly102Val)

Gene: MYLK (myosin light chain kinase; minus strand). Cytogenetic location: 3q21.1.
Variant type: single nucleotide variant.
Coding change: c.305G>T on transcript NM_053025.4 (MANE Select); coding-DNA position 305, G replaced by T.
Protein change: p.Gly102Val; replaces glycine 102 with valine.
Molecular consequence: missense variant. On other transcripts: intron variant (1).
Genome position (GRCh38, 1-based): chr3:123,752,399, C>A on the plus strand (G>T on the coding strand, the complement: MYLK is on the minus strand). VCF-style: chr3-123752399-C-A. GRCh37 (hg19) VCF-style: chr3-123471246-C-A.
Other names: c.305G>T, p.Gly102Val (NM_053026.4, NM_053027.4, NM_053028.4); c.-155-12398G>T (NM_001321309.2); short protein forms G102V.
Identifiers: ClinVar variation 1361247 (VCV001361247.8), dbSNP rs758300915, ClinGen allele CA069519.

ClinVar aggregate classification (germline): Uncertain significance. Review status: criteria provided, multiple submitters, no conflicts (2 of 4 stars). 3 submissions from 3 submitters: Uncertain significance (3). Last evaluated 2026-03-04.

Conditions:
Familial thoracic aortic aneurysm and aortic dissection (TAAD). Also called: Thoracic aortic aneurysms and dissections. Identifiers: Orphanet 91387, MedGen C4707243, MONDO:0019625.
Aortic aneurysm, familial thoracic 7 (AAT7). Also called: AORTIC DISSECTION, FAMILIAL, WITH OR WITHOUT AORTIC ANEURYSM. Identifiers: MedGen C3151077, MONDO:0013418, OMIM 613780.

Allele frequency attached by ClinVar (database versions not stated): TOPMed below 0.00001.

Submissions (3):

GeneDx
Classification: Uncertain significance. Last evaluated: 2026-03-04. Review status: criteria provided, single submitter. Criteria: GeneDx Variant Classification Process June 2021. Collection method: clinical testing. Allele origin: germline.
Comment: Has not been previously published as pathogenic or benign to our knowledge; Not observed at a significant frequency in large population cohorts (gnomAD); In silico analysis supports that this missense variant has a deleterious effect on protein structure/function

Labcorp Genetics (formerly Invitae), Labcorp
Classification: Uncertain significance for Aortic aneurysm, familial thoracic 7. Last evaluated: 2023-12-09. Review status: criteria provided, single submitter. Criteria: Invitae Variant Classification Sherloc (09022015). Collection method: clinical testing. Allele origin: germline.
Comment: This sequence change replaces glycine, which is neutral and non-polar, with valine, which is neutral and non-polar, at codon 102 of the MYLK protein (p.Gly102Val). This variant is present in population databases (rs758300915, gnomAD 0.01%). This variant has not been reported in the literature in individuals affected with MYLK-related conditions. ClinVar contains an entry for this variant (Variation ID: 1361247). Advanced modeling of protein sequence and biophysical properties (such as structural, functional, and spatial information, amino acid conservation, physicochemical variation, residue mobility, and thermodynamic stability) performed at Invitae indicates that this missense variant is not expected to disrupt MYLK protein function with a negative predictive value of 95%. In summary, the available evidence is currently insufficient to determine the role of this variant in disease. Therefore, it has been classified as a Variant of Uncertain Significance.

Ambry Genetics
Classification: Uncertain significance for Familial thoracic aortic aneurysm and aortic dissection. Last evaluated: 2022-05-11. Review status: criteria provided, single submitter. Criteria: Ambry Variant Classification Scheme 2023. Collection method: clinical testing. Allele origin: germline.
Comment: The p.G102V variant (also known as c.305G>T), located in coding exon 2 of the MYLK gene, results from a G to T substitution at nucleotide position 305. The glycine at codon 102 is replaced by valine, an amino acid with dissimilar properties. This amino acid position is conserved. In addition, this alteration is predicted to be deleterious by in silico analysis. Since supporting evidence is limited at this time, the clinical significance of this alteration remains unclear.